The following is an entry in ClinVar:

NM_001384140.1(PCDH15):c.4198A>G (p.Arg1400Gly)

Gene: PCDH15 (protocadherin related 15; minus strand). Cytogenetic location: 10q21.1.
Variant type: single nucleotide variant.
Coding change: c.4198A>G on transcript NM_001384140.1 (MANE Select); coding-DNA position 4198, A replaced by G.
Protein change: p.Arg1400Gly; replaces arginine 1400 with glycine.
Molecular consequence: missense variant.
Genome position (GRCh38, 1-based): chr10:53,831,319, T>C on the plus strand (A>G on the coding strand, the complement: PCDH15 is on the minus strand). VCF-style: chr10-53831319-T-C. GRCh37 (hg19) VCF-style: chr10-55591079-T-C.
Other names: c.4213A>G, p.Arg1405Gly (NM_001142763.2, NM_001142771.2); c.4198A>G, p.Arg1400Gly (NM_001142764.2, NM_001142766.2, NM_001142770.3 and 4 more transcripts); c.3985A>G, p.Arg1329Gly (NM_001142765.2); c.4087A>G, p.Arg1363Gly (NM_001142767.2); c.4132A>G, p.Arg1378Gly (NM_001142768.2, NM_001142773.2, NM_001354404.2); c.4234A>G, p.Arg1412Gly (NM_001142769.4); c.4219A>G, p.Arg1407Gly (NM_001354411.2); short protein forms R1400G, R1329G, R1378G, R1405G, R1407G, R1363G, R1412G.
Identifiers: ClinVar variation 1434175 (VCV001434175.4), dbSNP rs765069475, ClinGen allele CA5505457.

ClinVar aggregate classification (germline): Uncertain significance. Review status: criteria provided, multiple submitters, no conflicts (2 of 4 stars). 2 submissions from 2 submitters: Uncertain significance (2). Last evaluated 2022-11-01.

Conditions:
Inborn genetic diseases. Identifiers: MedGen C0950123, MeSH D030342.

Allele frequency attached by ClinVar (database versions not stated): ExAC 0.00001; gnomAD exomes 0.00001 and 0.00004; gnomAD 0.00003; TOPMed 0.00003.
gnomAD v4.1: 14 of 1,614,034 alleles (0.00087%); highest among the groups gnomAD compares: Admixed American, 0.023%; no homozygotes.

Submissions (2):

Labcorp Genetics (formerly Invitae), Labcorp
Classification: Uncertain significance. Last evaluated: 2022-11-01. Review status: criteria provided, single submitter. Criteria: Invitae Variant Classification Sherloc (09022015). Collection method: clinical testing. Allele origin: germline.
Comment: This sequence change replaces arginine, which is basic and polar, with glycine, which is neutral and non-polar, at codon 1400 of the PCDH15 protein (p.Arg1400Gly). This variant is present in population databases (rs765069475, gnomAD 0.03%). This variant has not been reported in the literature in individuals affected with PCDH15-related conditions. ClinVar contains an entry for this variant (Variation ID: 1434175). Advanced modeling of protein sequence and biophysical properties (such as structural, functional, and spatial information, amino acid conservation, physicochemical variation, residue mobility, and thermodynamic stability) performed at Invitae indicates that this missense variant is not expected to disrupt PCDH15 protein function. In summary, the available evidence is currently insufficient to determine the role of this variant in disease. Therefore, it has been classified as a Variant of Uncertain Significance.

Ambry Genetics
Classification: Uncertain significance for Inborn genetic diseases. Last evaluated: 2021-10-06. Review status: criteria provided, single submitter. Criteria: Ambry Variant Classification Scheme 2023. Collection method: clinical testing. Allele origin: germline.